The following is an entry in ClinVar:

ClinVar aggregate classification (germline): Pathogenic/Likely pathogenic. Review status: criteria provided, multiple submitters, no conflicts (2 of 4 stars). 4 submissions from 4 submitters: Pathogenic (3); Likely pathogenic (1). Last evaluated 2024-11-14.

Conditions:
Hereditary cancer-predisposing syndrome. Also called: Tumor predisposition; Hereditary neoplastic syndrome; Neoplastic Syndromes, Hereditary; Hereditary Cancer Syndrome. Identifiers: Orphanet 140162, MedGen C0027672, MeSH D009386, MONDO:0015356.
Familial cancer of breast. Also called: Hereditary breast cancer; BREAST CANCER, FAMILIAL; hereditary breast carcinoma. Identifiers: Orphanet 227535, MedGen C0346153, MONDO:0016419, OMIM 114480. Disease mechanism: loss of function.

Submissions (4):

Ambry Genetics
Classification: Pathogenic for Hereditary cancer-predisposing syndrome. Last evaluated: 2024-11-14. Review status: criteria provided, single submitter. Criteria: Ambry Variant Classification Scheme 2023. Collection method: clinical testing. Allele origin: germline.
Comment: The c.1434_1435delTC variant, located in coding exon 4 of the PALB2 gene, results from a deletion of two nucleotides at nucleotide positions 1434 to 1435, causing a translational frameshift with a predicted alternate stop codon (p.Q479Efs*7). This variant is considered to be rare based on population cohorts in the Genome Aggregation Database (gnomAD). This alteration is expected to result in loss of function by premature protein truncation or nonsense-mediated mRNA decay. As such, this alteration is interpreted as a disease-causing mutation.

Labcorp Genetics (formerly Invitae), Labcorp
Classification: Pathogenic for Familial cancer of breast. Last evaluated: 2024-07-23. Review status: criteria provided, single submitter. Criteria: Invitae Variant Classification Sherloc (09022015). Collection method: clinical testing. Allele origin: germline.
Comment: This sequence change creates a premature translational stop signal (p.Gln479Glufs*7) in the PALB2 gene. It is expected to result in an absent or disrupted protein product. Loss-of-function variants in PALB2 are known to be pathogenic (PMID: 17200668, 17200671, 17200672, 24136930, 25099575). This variant is not present in population databases (gnomAD no frequency). This variant has not been reported in the literature in individuals affected with PALB2-related conditions. For these reasons, this variant has been classified as Pathogenic.

Baylor Genetics
Classification: Likely pathogenic for Familial cancer of breast. Last evaluated: 2024-03-28. Review status: criteria provided, single submitter. Criteria: ACMG Guidelines, 2015. Collection method: clinical testing. Allele origin: unknown.

Myriad Genetics, Inc.
Classification: Pathogenic for Familial cancer of breast. Last evaluated: 2023-09-08. Review status: criteria provided, single submitter. Criteria: Myriad Autosomal Dominant, Autosomal Recessive and X-Linked Classification Criteria (2023). Collection method: clinical testing. Allele origin: unknown.
Comment: This variant is considered pathogenic. This variant creates a frameshift predicted to result in premature protein truncation.

Literature cited by the submitters: PubMed 17200668 (cited by Labcorp Genetics (formerly Invitae), Labcorp); PubMed 17200671 (cited by Labcorp Genetics (formerly Invitae), Labcorp); PubMed 17200672 (cited by Labcorp Genetics (formerly Invitae), Labcorp); PubMed 24136930 (cited by Labcorp Genetics (formerly Invitae), Labcorp); PubMed 25099575 (cited by Labcorp Genetics (formerly Invitae), Labcorp).

NM_024675.4(PALB2):c.1434_1435del (p.Gln479fs)

Gene: PALB2 (partner and localizer of BRCA2; minus strand). Cytogenetic location: 16p12.2.
Variant type: Microsatellite.
Coding change: c.1434_1435del on transcript NM_024675.4 (MANE Select); coding-DNA positions 1434 to 1435, 2 bases deleted (TC; older notation c.1434_1435delTC).
Protein change: p.Gln479fs; shifts the reading frame from glutamine 479.
Molecular consequence: frameshift variant. On other transcripts: intron variant (3).
Genome position (GRCh38, 1-based): chr16:23,635,111-23,635,112, GA deleted on the plus strand (TC on the coding strand, the reverse complement: PALB2 is on the minus strand); deleting any 2 consecutive bases within chr16:23,635,111-23,635,115 gives the same sequence; the c. name uses the placement nearest the transcript's 3' end. VCF-style (leftmost placement, unchanged base first): chr16-23635110-TGA-T. GRCh37 (hg19) VCF-style: chr16-23646431-TGA-T.
Other names: c.1374_1375del, p.Gln459fs (NM_001407296.1); c.1434_1435del, p.Gln479fs (NM_001407297.1, NM_001407298.1, NM_001407299.1 and 3 more transcripts); c.549_550del, p.Gln184fs (NM_001407304.1, NM_001407305.1, NM_001407306.1 and 5 more transcripts); c.49-5837_49-5836del (NM_001407314.1); c.-104-4643_-104-4642del (NM_001407313.1, NM_001407312.1); c.1434_1435delTC (NM_024675.3); short protein forms Q184fs, Q459fs, Q479fs.
Identifiers: ClinVar variation 2673884 (VCV002673884.7), dbSNP rs2506477651, ClinGen allele CA2695197474.